The following is an entry in ClinVar:

ClinVar aggregate classification (germline): Uncertain significance (1 of 4 stars; one submission).

Conditions:
Arrhythmogenic right ventricular dysplasia 12. Also called: ARRHYTHMOGENIC RIGHT VENTRICULAR DYSPLASIA, FAMILIAL, 12. Identifiers: MedGen C1969081, MONDO:0012684, OMIM 611528.
Naxos disease (NXD). Also called: KERATOSIS PALMOPLANTARIS WITH ARRHYTHMOGENIC CARDIOMYOPATHY; MAL DE NAXOS; PALMOPLANTAR KERATODERMA WITH ARRHYTHMOGENIC RIGHT VENTRICULAR CARDIOMYOPATHY AND WOOLLY HAIR; WOOLLY HAIR, PALMOPLANTAR KERATODERMA, AND CARDIAC ABNORMALITIES; CARDIOMYOPATHY, ARRHYTHMOGENIC RIGHT VENTRICULAR, WITH SKIN, HAIR, AND NAIL ABNORMALITIES. Identifiers: Orphanet 34217, MedGen C1832600, MONDO:0011017, OMIM 601214.

Allele frequency attached by ClinVar (database versions not stated): gnomAD exomes below 0.00001; ExAC 0.00001.
gnomAD v4.1: 2 of 1,614,240 alleles (0.00012%); no homozygotes.

Submission:

Labcorp Genetics (formerly Invitae), Labcorp
Classification: Uncertain significance for Arrhythmogenic right ventricular dysplasia 12; Naxos disease. Last evaluated: 2023-07-28. Review status: criteria provided, single submitter. Criteria: Invitae Variant Classification Sherloc (09022015). Collection method: clinical testing. Allele origin: germline.
Comment: This sequence change replaces alanine, which is neutral and non-polar, with threonine, which is neutral and polar, at codon 678 of the JUP protein (p.Ala678Thr). This variant is present in population databases (rs782260396, gnomAD 0.004%). In summary, the available evidence is currently insufficient to determine the role of this variant in disease. Therefore, it has been classified as a Variant of Uncertain Significance. An algorithm developed to predict the effect of missense changes on protein structure and function (PolyPhen-2) suggests that this variant is likely to be tolerated. This variant has not been reported in the literature in individuals affected with JUP-related conditions.

NM_002230.4(JUP):c.2032G>A (p.Ala678Thr)

Gene: JUP (junction plakoglobin; minus strand). Cytogenetic location: 17q21.2.
Variant type: single nucleotide variant.
Coding change: c.2032G>A on transcript NM_002230.4 (MANE Select); coding-DNA position 2032, G replaced by A.
Protein change: p.Ala678Thr; replaces alanine 678 with threonine.
Molecular consequence: missense variant.
Genome position (GRCh38, 1-based): chr17:41,757,429, C>T on the plus strand (G>A on the coding strand, the complement: JUP is on the minus strand). VCF-style: chr17-41757429-C-T. GRCh37 (hg19) VCF-style: chr17-39913681-C-T.
Other names: c.2032G>A, p.Ala678Thr (NM_001352773.2, NM_001352774.2, NM_001352775.2 and 3 more transcripts); short protein forms A678T.
Identifiers: ClinVar variation 2950393 (VCV002950393.3), dbSNP rs782260396, ClinGen allele CA8565046.